The following is an entry in ClinVar:

NM_001003699.4(RREB1):c.3685G>A (p.Asp1229Asn)

Gene: RREB1 (ras responsive element binding protein 1; plus strand). Cytogenetic location: 6p24.3.
Variant type: single nucleotide variant.
Coding change: c.3685G>A on transcript NM_001003699.4 (MANE Select); coding-DNA position 3685, G replaced by A.
Protein change: p.Asp1229Asn; replaces aspartic acid 1229 with asparagine.
Molecular consequence: missense variant.
Genome position (GRCh38, 1-based): chr6:7,231,784, G>A. VCF-style: chr6-7231784-G-A. GRCh37 (hg19) VCF-style: chr6-7232017-G-A.
Other names: c.3685G>A, p.Asp1229Asn (NM_001003698.4, NM_001003700.2, NM_001168344.2); short protein forms D1229N.
Identifiers: ClinVar variation 5037256 (VCV005037256.1).

ClinVar aggregate classification (germline): Uncertain significance (1 of 4 stars; one submission).

Submission:

GeneDx
Classification: Uncertain significance. Last evaluated: 2026-04-15. Review status: criteria provided, single submitter. Criteria: GeneDx Variant Classification Process June 2021. Collection method: clinical testing. Allele origin: germline.
Comment: Has not been previously published as pathogenic or benign to our knowledge; Not observed at significant frequency in large population cohorts (gnomAD); In silico analysis suggests that this missense variant does not alter protein structure/function